The following is an entry in ClinVar:

NM_133259.4(LRPPRC):c.865-10CT[2]

Gene: LRPPRC (leucine rich pentatricopeptide repeat containing; minus strand). Cytogenetic location: 2p21.
Variant type: Microsatellite.
Coding change: c.865-10CT[2] on transcript NM_133259.4 (MANE Select); two copies in a row of the 2-base unit CT starting at c.865-10; the reference has three copies in a row; one copy, 2 bases deleted.
Molecular consequence: intron variant.
Genome position (GRCh38, 1-based): chr2:43,974,763-43,974,764, AG deleted on the plus strand (CT on the coding strand, the reverse complement: LRPPRC is on the minus strand); deleting any 2 consecutive bases within chr2:43,974,763-43,974,768 gives the same sequence; the position shown is the placement nearest the transcript's 3' end. VCF-style (leftmost placement, unchanged base first): chr2-43974762-TAG-T. GRCh37 (hg19) VCF-style: chr2-44201901-TAG-T.
Other names: c.865-6_865-5del (NM_133259.4).
Identifiers: ClinVar variation 1955754 (VCV001955754.7), dbSNP rs759710038, ClinGen allele CA1639183.
Genomic context (GRCh38, chr2:43,974,762, plus strand): 5'-TTGCAGTAAATCACGGTCCATAAGGTGAAGCTCGGACTTCTCCACCTTCTCCAGAGTCTA[TAG>T]AGAGTTCCAGAAATTAGAAGACAAAGTTAGAGTGTTTTTATTTAAGTATTAAAGCTAAAT-3'

ClinVar aggregate classification (germline): Conflicting classifications of pathogenicity. Review status: criteria provided, conflicting classifications (1 of 4 stars). 3 submissions from 3 submitters: Uncertain significance (1); Likely benign (1). 1 of the submissions does not count toward it. Last evaluated 2026-08-19.

Conditions:
Congenital lactic acidosis, Saguenay-Lac-Saint-Jean type (MC4DN5). Also called: CYTOCHROME c OXIDASE DEFICIENCY, FRENCH CANADIAN TYPE; COX DEFICIENCY, FRENCH CANADIAN TYPE; MITOCHONDRIAL COMPLEX IV DEFICIENCY, NUCLEAR TYPE 5. Identifiers: Orphanet 70472, MedGen C1857355, MONDO:0009069, OMIM 220111.

Submissions (3):

Myriad Genetics, Inc.
Classification: Uncertain significance for Congenital lactic acidosis, Saguenay-Lac-Saint-Jean type. Last evaluated: 2026-08-19. Review status: criteria provided, single submitter. Criteria: Myriad Autosomal Dominant, Autosomal Recessive and X-Linked Classification Criteria (2023). Collection method: clinical testing. Allele origin: unknown.
Comment: NM_133259.3(LRPPRC):c.865-6_865-5delCT is an intronic variant classified as a variant of uncertain significance in the context of Leigh syndrome, French-Canadian type. c.865-6_865-5delCT has not been observed in cases with relevant disease. Relevant functional assessments of this variant are not available in the literature. c.865-6_865-5delCT has been observed in referenced population frequency databases. In summary, there is insufficient evidence to classify NM_133259.3(LRPPRC):c.865-6_865-5delCT as pathogenic or benign. Please note: this variant was assessed in the context of healthy population screening.

Labcorp Genetics (formerly Invitae), Labcorp
Classification: Likely benign. Last evaluated: 2023-12-19. Review status: criteria provided, single submitter. Criteria: Invitae Variant Classification Sherloc (09022015). Collection method: clinical testing. Allele origin: germline.

Clinical Genetics Laboratory, University Hospital Schleswig-Holstein
Classification: Likely pathogenic for Congenital lactic acidosis, Saguenay-Lac-Saint-Jean type. Last evaluated: 2024-06-19. Review status: no assertion criteria provided. Collection method: clinical testing. Allele origin: germline. Affected: yes. Not counted in ClinVar's aggregate classification.